The following is an entry in ClinVar:

ClinVar aggregate classification (germline): Uncertain significance (1 of 4 stars; one submission).

Conditions:
Inborn genetic diseases. Identifiers: MedGen C0950123, MeSH D030342.

Allele frequency attached by ClinVar (database versions not stated): ExAC 0.00001; gnomAD 0.00002; TOPMed 0.00002; ESP Exome Variant Server 0.00008.
gnomAD v4.1: 3 of 1,613,908 alleles (0.00019%); highest among the groups gnomAD compares: African/African-American, 0.004%; no homozygotes.

Submission:

Ambry Genetics
Classification: Uncertain significance for Inborn genetic diseases. Last evaluated: 2023-02-23. Review status: criteria provided, single submitter. Criteria: Ambry Variant Classification Scheme 2023. Collection method: clinical testing. Allele origin: germline.
Comment: The p.M320V variant (also known as c.958A>G), located in coding exon 7 of the CDH2 gene, results from an A to G substitution at nucleotide position 958. The methionine at codon 320 is replaced by valine, an amino acid with highly similar properties. This amino acid position is conserved. In addition, the in silico prediction for this alteration is inconclusive. Since supporting evidence is limited at this time, the clinical significance of this alteration remains unclear.

NM_001792.5(CDH2):c.958A>G (p.Met320Val)

Gene: CDH2 (cadherin 2; minus strand). Cytogenetic location: 18q12.1.
Variant type: single nucleotide variant.
Coding change: c.958A>G on transcript NM_001792.5 (MANE Select); coding-DNA position 958, A replaced by G.
Protein change: p.Met320Val; replaces methionine 320 with valine.
Molecular consequence: missense variant.
Genome position (GRCh38, 1-based): chr18:28,003,059, T>C on the plus strand (A>G on the coding strand, the complement: CDH2 is on the minus strand). VCF-style: chr18-28003059-T-C. GRCh37 (hg19) VCF-style: chr18-25583023-T-C.
Other names: c.865A>G, p.Met289Val (NM_001308176.2); short protein forms M320V, M289V.
Identifiers: ClinVar variation 2451007 (VCV002451007.2), dbSNP rs143855545, ClinGen allele CA8923562.
Genomic context (GRCh38, chr18:28,003,059, plus strand): 5'-CTCGATCAAGTCCAGCTGCCACTGTGATGATGTCACCAGTCTCATTGTTGATTGTAAACA[T>C]GTTGGGTGAAGGGGTGCTTGGAGCCTGAGACACGATTCTGTACCTCAACATCCCATTGAG-3'
Protein context (NP_001783.2, residues 310-330): SQAPSTPSPN[Met320Val]FTINNETGDI